The following is an entry in ClinVar:

ClinVar aggregate classification (germline): Uncertain significance (1 of 4 stars; one submission).

Conditions:
Hereditary cancer-predisposing syndrome. Also called: Hereditary neoplastic syndrome; Neoplastic Syndromes, Hereditary; Tumor predisposition; Hereditary Cancer Syndrome. Identifiers: Orphanet 140162, MedGen C0027672, MeSH D009386, MONDO:0015356.

Submission:

Ambry Genetics
Classification: Uncertain significance for Hereditary cancer-predisposing syndrome. Last evaluated: 2025-06-17. Review status: criteria provided, single submitter. Criteria: Ambry Variant Classification Scheme 2023. Collection method: clinical testing. Allele origin: germline.
Comment: The p.P1313L variant (also known as c.3938C>T), located in coding exon 23 of the PTCH1 gene, results from a C to T substitution at nucleotide position 3938. The proline at codon 1313 is replaced by leucine, an amino acid with similar properties. This amino acid position is highly conserved in available vertebrate species. In addition, the in silico prediction for this alteration is inconclusive. Based on the available evidence, the clinical significance of this variant remains unclear.

NM_000264.5(PTCH1):c.3938C>T (p.Pro1313Leu)

Gene: PTCH1 (patched 1; minus strand). Cytogenetic location: 9q22.32.
Variant type: single nucleotide variant.
Coding change: c.3938C>T on transcript NM_000264.5 (MANE Select); coding-DNA position 3938, C replaced by T.
Protein change: p.Pro1313Leu; replaces proline 1313 with leucine.
Molecular consequence: missense variant. On other transcripts: non-coding transcript variant (1).
Genome position (GRCh38, 1-based): chr9:95,447,318, G>A on the plus strand (C>T on the coding strand, the complement: PTCH1 is on the minus strand). VCF-style: chr9-95447318-G-A. GRCh37 (hg19) VCF-style: chr9-98209600-G-A.
Other names: c.3740C>T, p.Pro1247Leu (NM_001083602.3); c.3935C>T, p.Pro1312Leu (NM_001083603.3); c.3485C>T, p.Pro1162Leu (NM_001083604.3, NM_001083605.3, NM_001083606.3 and 1 more transcripts); c.3782C>T, p.Pro1261Leu (NM_001354918.2); short protein forms P1247L, P1162L, P1261L, P1312L, P1313L.
Identifiers: ClinVar variation 4146837 (VCV004146837.1).